The following is an entry in ClinVar:

ClinVar aggregate classification (germline): Uncertain significance. Review status: criteria provided, multiple submitters, no conflicts (2 of 4 stars). 2 submissions from 2 submitters: Uncertain significance (2). Last evaluated 2023-06-20.

Conditions:
Hereditary cancer-predisposing syndrome. Also called: Neoplastic Syndromes, Hereditary; Tumor predisposition; Hereditary Cancer Syndrome; Hereditary neoplastic syndrome. Identifiers: Orphanet 140162, MedGen C0027672, MeSH D009386, MONDO:0015356.

Submissions (2):

Labcorp Genetics (formerly Invitae), Labcorp
Classification: Uncertain significance. Last evaluated: 2023-06-20. Review status: criteria provided, single submitter. Criteria: Invitae Variant Classification Sherloc (09022015). Collection method: clinical testing. Allele origin: germline.
Comment: This variant is not present in population databases (gnomAD no frequency). This sequence change replaces proline, which is neutral and non-polar, with leucine, which is neutral and non-polar, at codon 324 of the POLE protein (p.Pro324Leu). This missense change has been observed in individual(s) with colorectal cancer (PMID: 32424176). ClinVar contains an entry for this variant (Variation ID: 638943). Advanced modeling of protein sequence and biophysical properties (such as structural, functional, and spatial information, amino acid conservation, physicochemical variation, residue mobility, and thermodynamic stability) performed at Invitae indicates that this missense variant is expected to disrupt POLE protein function. Experimental studies have shown that this missense change affects POLE function (PMID: 32424176). In summary, the available evidence is currently insufficient to determine the role of this variant in disease. Therefore, it has been classified as a Variant of Uncertain Significance.

Ambry Genetics
Classification: Uncertain significance for Hereditary cancer-predisposing syndrome. Last evaluated: 2022-10-31. Review status: criteria provided, single submitter. Criteria: Ambry Variant Classification Scheme 2023. Collection method: clinical testing. Allele origin: germline.
Comment: The p.P324L variant (also known as c.971C>T), located in coding exon 10 of the POLE gene, results from a C to T substitution at nucleotide position 971. The proline at codon 324 is replaced by leucine, an amino acid with similar properties. The patient had reportedly negative genetic testing for Lynch syndrome and also had a family history of early onset colorectal cancer (Hamzaoui N et al. Genet Med, 2020 09;22:1533-1541). This amino acid position is highly conserved in available vertebrate species. In addition, the in silico prediction for this alteration is inconclusive. Since supporting evidence is limited at this time, the clinical significance of this alteration remains unclear.

Literature cited by the submitters: PubMed 32424176 (cited by Labcorp Genetics (formerly Invitae), Labcorp and Ambry Genetics).

NM_006231.4(POLE):c.971C>T (p.Pro324Leu)

Gene: POLE (DNA polymerase epsilon, catalytic subunit; minus strand). Cytogenetic location: 12q24.33.
Variant type: single nucleotide variant.
Coding change: c.971C>T on transcript NM_006231.4 (MANE Select); coding-DNA position 971, C replaced by T.
Protein change: p.Pro324Leu; replaces proline 324 with leucine.
Molecular consequence: missense variant.
Genome position (GRCh38, 1-based): chr12:132,676,143, G>A on the plus strand (C>T on the coding strand, the complement: POLE is on the minus strand). VCF-style: chr12-132676143-G-A. GRCh37 (hg19) VCF-style: chr12-133252729-G-A.
Other names: short protein forms P324L.
Identifiers: ClinVar variation 638943 (VCV000638943.11), dbSNP rs1593078390, ClinGen allele CA387363685.